The following is an entry in ClinVar:

ClinVar aggregate classification (germline): Likely benign (0 of 4 stars; one submission).

Conditions:
GTF3C3-related disorder. Also called: GTF3C3-related condition.

Allele frequency attached by ClinVar (database versions not stated): ExAC 0.00010; 1000 Genomes Project 30x 0.00031; gnomAD 0.00031; 1000 Genomes Project 0.00040; TOPMed 0.00065.
gnomAD v4.1: 261 of 1,604,948 alleles (0.016%); highest among the groups gnomAD compares: East Asian, 0.39%; no homozygotes.

Submission:

PreventionGenetics, part of Exact Sciences
Classification: Likely benign for GTF3C3-related condition. Last evaluated: 2019-05-24. Review status: no assertion criteria provided. Collection method: clinical testing. Allele origin: germline.
Comment: This variant is classified as likely benign based on ACMG/AMP sequence variant interpretation guidelines (Richards et al. 2015 PMID: 25741868, with internal and published modifications).

NM_012086.5(GTF3C3):c.1854C>T (p.Ser618=)

Gene: GTF3C3 (general transcription factor IIIC subunit 3; minus strand). Cytogenetic location: 2q33.1.
Variant type: single nucleotide variant.
Coding change: c.1854C>T on transcript NM_012086.5 (MANE Select); coding-DNA position 1854, C replaced by T.
Protein change: p.Ser618=; no amino-acid change (serine 618 retained).
Molecular consequence: synonymous variant.
Genome position (GRCh38, 1-based): chr2:196,773,131, G>A on the plus strand (C>T on the coding strand, the complement: GTF3C3 is on the minus strand). VCF-style: chr2-196773131-G-A. GRCh37 (hg19) VCF-style: chr2-197637855-G-A.
Identifiers: ClinVar variation 3038925 (VCV003038925.2), dbSNP rs146213213, ClinGen allele CA2039961.